The following is an entry in ClinVar:

NM_000543.5(SMPD1):c.450_453delinsTCTCCTTT (p.Ser151fs)

Gene: SMPD1 (sphingomyelin phosphodiesterase 1; plus strand). Cytogenetic location: 11p15.4.
Variant type: Indel.
Coding change: c.450_453delinsTCTCCTTT on transcript NM_000543.5 (MANE Select); coding-DNA positions 450 to 453, CTCA replaced by TCTCCTTT.
Protein change: p.Ser151fs; shifts the reading frame from serine 151.
Molecular consequence: frameshift variant. On other transcripts: 5 prime UTR variant (1), non-coding transcript variant (1).
Genome position (GRCh38, 1-based): chr11:6,391,515-6,391,518, CTCA replaced by TCTCCTTT. VCF-style: chr11-6391515-CTCA-TCTCCTTT. GRCh37 (hg19) VCF-style: chr11-6412745-CTCA-TCTCCTTT.
Other names: c.447_450delinsTCTCCTTT, p.Ser150fs (NM_001007593.3); c.450_453delinsTCTCCTTT, p.Ser151fs (NM_001318087.2, NM_001365135.2); c.-512_-509delinsTCTCCTTT (NM_001318088.2); short protein forms S150fs, S151fs.
Identifiers: ClinVar variation 1724390 (VCV001724390.3), dbSNP rs2493804168, ClinGen allele CA2580083960.
Genomic context (GRCh38, chr11:6,391,515, plus strand): 5'-TGCCGTGTGCCAATCCATTGTCCACCTCTTTGAGGATGACATGGTGGAGGTGTGGAGACG[CTCA>TCTCCTTT]GTGCTGAGCCCATCTGAGGCCTGTGGCCTGCTCCTGGGCTCCACCTGTGGGCACTGGGAC-3'

ClinVar aggregate classification (germline): Likely pathogenic (1 of 4 stars; one submission).

Conditions:
Acid sphingomyelinase deficiency. Identifiers: Orphanet 618899, MedGen C5243927, MONDO:0100464.

Submission:

Myriad Genetics, Inc.
Classification: Likely pathogenic for Acid sphingomyelinase deficiency. Last evaluated: 2022-02-12. Review status: criteria provided, single submitter. Criteria: Myriad Autosomal Dominant, Autosomal Recessive and X-Linked Classification Criteria (2023). Collection method: clinical testing. Allele origin: unknown.
Comment: NM_000543.4(SMPD1):c.450_453del4ins8(S151Lfs*8) is expected to be pathogenic in the context of Niemann-Pick disease, SMPD1-related. This variant is predicted to lead to an abnormal or absent protein product due to the creation of a premature termination codon in SMPD1, a gene where loss-of-function variants are known to be pathogenic. Please note: this variant was assessed in the context of healthy population screening.